The following is an entry in ClinVar:

ClinVar aggregate classification (germline): Uncertain significance (1 of 4 stars; one submission).

Submission:

Labcorp Genetics (formerly Invitae), Labcorp
Classification: Uncertain significance. Last evaluated: 2023-09-05. Review status: criteria provided, single submitter. Criteria: Invitae Variant Classification Sherloc (09022015). Collection method: clinical testing. Allele origin: germline.
Comment: This variant is not present in population databases (gnomAD no frequency). This sequence change replaces aspartic acid, which is acidic and polar, with glutamic acid, which is acidic and polar, at codon 336 of the PPP2R1A protein (p.Asp336Glu). This variant has not been reported in the literature in individuals affected with PPP2R1A-related conditions. In summary, the available evidence is currently insufficient to determine the role of this variant in disease. Therefore, it has been classified as a Variant of Uncertain Significance. An algorithm developed to predict the effect of missense changes on protein structure and function (PolyPhen-2) suggests that this variant is likely to be disruptive.

NM_014225.6(PPP2R1A):c.1008T>G (p.Asp336Glu)

Gene: PPP2R1A (protein phosphatase 2 scaffold subunit Aalpha; plus strand). Cytogenetic location: 19q13.41.
Variant type: single nucleotide variant.
Coding change: c.1008T>G on transcript NM_014225.6 (MANE Select); coding-DNA position 1008, T replaced by G.
Protein change: p.Asp336Glu; replaces aspartic acid 336 with glutamic acid.
Molecular consequence: missense variant. On other transcripts: non-coding transcript variant (1).
Genome position (GRCh38, 1-based): chr19:52,216,543, T>G. VCF-style: chr19-52216543-T-G. GRCh37 (hg19) VCF-style: chr19-52719796-T-G.
Other names: c.471T>G, p.Asp157Glu (NM_001363656.2); short protein forms D157E, D336E.
Identifiers: ClinVar variation 2716876 (VCV002716876.3), dbSNP rs1424511855, ClinGen allele CA407187259.
Genomic context (GRCh38, chr19:52,216,543, plus strand): 5'-TGCAGGGGTTGCACTGACCCCTGTGCCTGCCTCTTCTCTCTCCCAGGAGCTGGTGTCCGA[T>G]GCCAACCAACATGTCAAGTCTGCCCTGGCCTCAGTCATCATGGGTCTCTCTCCCATCTTG-3'
Protein context (NP_055040.2, residues 326-346): ILPCIKELVS[Asp336Glu]ANQHVKSALA